The following is an entry in ClinVar:

ClinVar aggregate classification (germline): Uncertain significance. Review status: criteria provided, multiple submitters, no conflicts (2 of 4 stars). 2 submissions from 2 submitters: Uncertain significance (2). Last evaluated 2025-12-09.

Conditions:
Inborn genetic diseases. Identifiers: MedGen C0950123, MeSH D030342.

Allele frequency attached by ClinVar (database versions not stated): gnomAD exomes below 0.00001.

Submissions (2):

Ambry Genetics
Classification: Uncertain significance for Inborn genetic diseases. Last evaluated: 2025-12-09. Review status: criteria provided, single submitter. Criteria: Ambry Variant Classification Scheme 2023. Collection method: clinical testing. Allele origin: germline.

Labcorp Genetics (formerly Invitae), Labcorp
Classification: Uncertain significance. Last evaluated: 2023-09-05. Review status: criteria provided, single submitter. Criteria: Invitae Variant Classification Sherloc (09022015). Collection method: clinical testing. Allele origin: germline.
Comment: In summary, the available evidence is currently insufficient to determine the role of this variant in disease. Therefore, it has been classified as a Variant of Uncertain Significance. This variant is not present in population databases (gnomAD no frequency). This variant has not been reported in the literature in individuals affected with ZSWIM6-related conditions. ClinVar contains an entry for this variant (Variation ID: 1462925). Advanced modeling of protein sequence and biophysical properties (such as structural, functional, and spatial information, amino acid conservation, physicochemical variation, residue mobility, and thermodynamic stability) performed at Invitae indicates that this missense variant is not expected to disrupt ZSWIM6 protein function. This sequence change replaces aspartic acid, which is acidic and polar, with tyrosine, which is neutral and polar, at codon 969 of the ZSWIM6 protein (p.Asp969Tyr).

NM_020928.2(ZSWIM6):c.2905G>T (p.Asp969Tyr)

Gene: ZSWIM6 (zinc finger SWIM-type containing 6; plus strand). Cytogenetic location: 5q12.1.
Variant type: single nucleotide variant.
Coding change: c.2905G>T on transcript NM_020928.2 (MANE Select); coding-DNA position 2905, G replaced by T.
Protein change: p.Asp969Tyr; replaces aspartic acid 969 with tyrosine.
Molecular consequence: missense variant.
Genome position (GRCh38, 1-based): chr5:61,543,574, G>T. VCF-style: chr5-61543574-G-T. GRCh37 (hg19) VCF-style: chr5-60839401-G-T.
Other names: c.2905G>T (NM_020928.1); short protein forms D969Y.
Identifiers: ClinVar variation 1462925 (VCV001462925.9), dbSNP rs2112297178, ClinGen allele CA359946418.